The following is an entry in ClinVar:

NM_000256.3(MYBPC3):c.822-2A>T

Gene: MYBPC3 (myosin binding protein C3; minus strand). Cytogenetic location: 11p11.2.
Variant type: single nucleotide variant.
Coding change: c.822-2A>T on transcript NM_000256.3 (MANE Select); the canonical splice acceptor site of the intron before coding-DNA position 822, A replaced by T.
Molecular consequence: splice acceptor variant.
Genome position (GRCh38, 1-based): chr11:47,347,682, T>A on the plus strand (A>T on the coding strand, the complement: MYBPC3 is on the minus strand). VCF-style: chr11-47347682-T-A. GRCh37 (hg19) VCF-style: chr11-47369233-T-A.
Identifiers: ClinVar variation 1172472 (VCV001172472.2), dbSNP rs1245855037, ClinGen allele CA380333669.

ClinVar aggregate classification (germline): Uncertain significance (1 of 4 stars; one submission).

Conditions:
Cardiomyopathy (CMYO). Also called: Cardiomyopathies. Identifiers: Orphanet 167848, MedGen C0878544, MONDO:0004994, HP:0001638. Inheritance: Various modes of inheritance.

Allele frequency attached by ClinVar (database versions not stated): gnomAD exomes 0.00001.

Submission:

Color Diagnostics, LLC DBA Color Health
Classification: Uncertain significance for Cardiomyopathy. Last evaluated: 2020-12-11. Review status: criteria provided, single submitter. Criteria: ACMG Guidelines, 2015. Collection method: clinical testing. Allele origin: germline.
Comment: This variant causes an A to T nucleotide substitution at the -2 position of intron 7 of the MYBPC3 gene. Splice site prediction tools predict that this variant may have a significant impact on RNA splicing. To our knowledge, RNA studies have not been reported for this variant. This variant has not been reported in individuals affected with cardiovascular disorders in the literature. This variant has not been identified in the general population by the Genome Aggregation Database (gnomAD). The available evidence is insufficient to determine the role of this variant in disease conclusively. Therefore, this variant is classified as a Variant of Uncertain Significance.